The following is an entry in ClinVar:

NC_000001.10:g.(?_209798983)_(209812003_?)del

Gene: LAMB3 (laminin subunit beta 3; minus strand). Cytogenetic location: 1q32.2.
Variant type: Deletion.
Identifiers: ClinVar variation 1070854 (VCV001070854.4).

ClinVar aggregate classification (germline): Pathogenic (1 of 4 stars; one submission).

Submission:

Labcorp Genetics (formerly Invitae), Labcorp
Classification: Pathogenic. Last evaluated: 2020-08-27. Review status: criteria provided, single submitter. Criteria: Invitae Variant Classification Sherloc (09022015). Collection method: clinical testing. Allele origin: germline.
Comment: This variant is an out-of-frame deletion of the genomic region encompassing exon(s) 4-14 of the LAMB3 gene. This is expected to create a premature translational stop signal and result in an absent or disrupted protein product. This variant has not been reported in the literature in individuals with LAMB3-related conditions. Loss-of-function variants in LAMB3 are known to be pathogenic (PMID: 11023379, 16473856). For these reasons, this variant has been classified as Pathogenic.

Literature cited by the submitters: PubMed 11023379; PubMed 16473856.